The following is an entry in ClinVar:

ClinVar aggregate classification (germline): Uncertain significance. Review status: criteria provided, multiple submitters, no conflicts (2 of 4 stars). 2 submissions from 2 submitters: Uncertain significance (2). Last evaluated 2025-05-06.

Conditions:
Hypogonadotropic hypogonadism 3 with or without anosmia (HH3). Also called: HYPOGONADOTROPIC HYPOGONADISM 3 WITH ANOSMIA; PROKR2-Related GnRH Deficiency (Kallmann Syndrome 3). Identifiers: Orphanet 478, MedGen C3550478, MONDO:0009482, OMIM 244200.

gnomAD v4.1: 2 of 1,614,178 alleles (0.00012%); highest among the groups gnomAD compares: Non-Finnish European, 0.00017%; no homozygotes.

Submissions (2):

Women's Health and Genetics/Laboratory Corporation of America, LabCorp
Classification: Uncertain significance. Last evaluated: 2025-05-06. Review status: criteria provided, single submitter. Criteria: LabCorp Variant Classification Summary - May 2015. Collection method: clinical testing. Allele origin: germline.
Comment: Variant summary: PROKR2 c.410T>C (p.Val137Ala) results in a non-conservative amino acid change in the encoded protein sequence. Algorithms developed to predict the effect of missense changes on protein structure and function are either unavailable or do not agree on the potential impact of this missense change. The variant was absent in 251392 control chromosomes. The available data on variant occurrences in the general population are insufficient to allow any conclusion about variant significance. To our knowledge, no occurrence of c.410T>C in individuals affected with Kallmann Syndrome 3 and no experimental evidence demonstrating its impact on protein function have been reported. ClinVar contains an entry for this variant (Variation ID: 3587522). Based on the evidence outlined above, the variant was classified as uncertain significance.

Fulgent Genetics
Classification: Uncertain significance for Hypogonadotropic hypogonadism 3 with or without anosmia. Last evaluated: 2024-01-20. Review status: criteria provided, single submitter. Criteria: ACMG Guidelines, 2015. Collection method: clinical testing. Allele origin: germline.

NM_144773.4(PROKR2):c.410T>C (p.Val137Ala)

Gene: PROKR2 (prokineticin receptor 2; minus strand). Cytogenetic location: 20p12.3.
Variant type: single nucleotide variant.
Coding change: c.410T>C on transcript NM_144773.4 (MANE Select); coding-DNA position 410, T replaced by C.
Protein change: p.Val137Ala; replaces valine 137 with alanine.
Molecular consequence: missense variant.
Genome position (GRCh38, 1-based): chr20:5,313,960, A>G on the plus strand (T>C on the coding strand, the complement: PROKR2 is on the minus strand). VCF-style: chr20-5313960-A-G. GRCh37 (hg19) VCF-style: chr20-5294606-A-G.
Other names: short protein forms V137A.
Identifiers: ClinVar variation 3587522 (VCV003587522.2).
Genomic context (GRCh38, chr20:5,313,960, plus strand): 5'-CACCATCCTCACCTGTCAATGGCAATGGCCAGCAAGGCATTGGTGGAGACGTAGAGGGAG[A>G]CGGTGCGCAGGTAGTTGACGGAGGCACAGAGCACGTGGCCATGCTCCCAGGAGAGCTGCC-3'
Protein context (NP_658986.1, residues 127-147): LCASVNYLRT[Val137Ala]SLYVSTNALL